The following is an entry in ClinVar:

ClinVar aggregate classification (germline): Pathogenic. Review status: criteria provided, multiple submitters, no conflicts (2 of 4 stars). 2 submissions from 2 submitters: Pathogenic (2). Last evaluated 2020-08-03.

Conditions:
Hereditary spastic paraplegia 4. Also called: Spastic paraplegia 4, autosomal dominant; Spastic Paraplegia 4; Familial spastic paraplegia autosomal dominant 2. Identifiers: Orphanet 100985, MedGen C1866855, MONDO:0008438, OMIM 182601.

Submissions (2):

Labcorp Genetics (formerly Invitae), Labcorp
Classification: Pathogenic for Hereditary spastic paraplegia 4. Last evaluated: 2020-08-03. Review status: criteria provided, single submitter. Criteria: Invitae Variant Classification Sherloc (09022015). Collection method: clinical testing. Allele origin: germline.
Comment: For these reasons, this variant has been classified as Pathogenic. Loss-of-function variants in SPAST are known to be pathogenic (PMID: 20932283). This variant has not been reported in the literature in individuals with SPAST-related conditions. This variant is not present in population databases (ExAC no frequency). This sequence change creates a premature translational stop signal (p.Tyr55*) in the SPAST gene. It is expected to result in an absent or disrupted protein product.

Paris Brain Institute, Inserm - ICM
Classification: Pathogenic for Hereditary spastic paraplegia 4. Review status: criteria provided, single submitter. Criteria: ACMG Guidelines, 2015. Collection method: clinical testing. Allele origin: unknown. Affected: yes. Observed: 1 variant allele.

Literature cited by the submitters: PubMed 20932283 (cited by Labcorp Genetics (formerly Invitae), Labcorp).

NM_014946.4(SPAST):c.165C>A (p.Tyr55Ter)

Gene: SPAST (spastin; plus strand). Cytogenetic location: 2p22.3.
Variant type: single nucleotide variant.
Coding change: c.165C>A on transcript NM_014946.4 (MANE Select); coding-DNA position 165, C replaced by A.
Protein change: p.Tyr55Ter; replaces tyrosine 55 with a stop codon.
Molecular consequence: nonsense.
Genome position (GRCh38, 1-based): chr2:32,063,996, C>A. VCF-style: chr2-32063996-C-A. GRCh37 (hg19) VCF-style: chr2-32289065-C-A.
Other names: c.165C>A, p.Tyr55Ter (NM_001363823.2, NM_001363875.2, NM_001377959.1 and 1 more transcripts); short protein forms Y55*.
Identifiers: ClinVar variation 988970 (VCV000988970.8), dbSNP rs368951498, ClinGen allele CA346601539.